The following is an entry in ClinVar:

ClinVar aggregate classification (germline): Likely pathogenic. Review status: criteria provided, multiple submitters, no conflicts (2 of 4 stars). 6 submissions from 5 submitters: Likely pathogenic (5). 1 of the submissions does not count toward it. Last evaluated 2025-01-14.

Conditions:
Retinitis pigmentosa 39 (RP39). Identifiers: Orphanet 791, MedGen C3151138, MONDO:0013436, OMIM 613809.
Usher syndrome type 2A. Also called: RETINAL DISEASE IN USHER SYNDROME TYPE IIA, MODIFIER OF; USHER SYNDROME, TYPE IIA. Identifiers: Orphanet 231178, Orphanet 886, MedGen C1848634, MONDO:0010169, OMIM 276901.

Allele frequency attached by ClinVar (database versions not stated): gnomAD exomes below 0.00001.
gnomAD v4.1: 1 of 1,613,376 alleles (0.000062%); highest among the groups gnomAD compares: Admixed American, 0.0017%; no homozygotes.

Submissions (6):

Natera, Inc.
Classification: Likely pathogenic for Usher syndrome type 2A. Last evaluated: 2025-01-14. Review status: criteria provided, single submitter. Criteria: Natera Variant Classification Schema (03/2026). Collection method: clinical testing. Allele origin: germline.
Comment: The c.7595-1G>T variant in USH2A is a canonical splice acceptor site variant predicted to affect pre-mRNA splicing, which may result in an abnormal transcript and altered protein product. This variant is expected to result in nonsense mediated decay, truncation, or a dysfunctional protein product. This variant is rare in the general population with a frequency below the threshold expected for the associated phenotype(s). Given the available evidence, this variant is classified as Likely Pathogenic.

Labcorp Genetics (formerly Invitae), Labcorp
Classification: Likely pathogenic. Last evaluated: 2024-03-03. Review status: criteria provided, single submitter. Criteria: Invitae Variant Classification Sherloc (09022015). Collection method: clinical testing. Allele origin: germline.
Comment: This sequence change affects an acceptor splice site in intron 40 of the USH2A gene. It is expected to disrupt RNA splicing. Variants that disrupt the donor or acceptor splice site typically lead to a loss of protein function (PMID: 16199547), and loss-of-function variants in USH2A are known to be pathogenic (PMID: 10729113, 10909849, 20507924, 25649381). This variant is not present in population databases (gnomAD no frequency). This variant has not been reported in the literature in individuals affected with USH2A-related conditions. ClinVar contains an entry for this variant (Variation ID: 553734). Algorithms developed to predict the effect of sequence changes on RNA splicing suggest that this variant may disrupt the consensus splice site. In summary, the currently available evidence indicates that the variant is pathogenic, but additional data are needed to prove that conclusively. Therefore, this variant has been classified as Likely Pathogenic.

Genome-Nilou Lab
Classification: Likely pathogenic for Retinitis pigmentosa 39. Last evaluated: 2023-04-11. Review status: criteria provided, single submitter. Criteria: ACMG Guidelines, 2015. Collection method: clinical testing. Allele origin: germline. Affected: no.

Genome-Nilou Lab
Classification: Likely pathogenic for Usher syndrome type 2A. Last evaluated: 2023-04-11. Review status: criteria provided, single submitter. Criteria: ACMG Guidelines, 2015. Collection method: clinical testing. Allele origin: germline. Affected: no.

Baylor Genetics
Classification: Likely pathogenic for Retinitis pigmentosa 39. Last evaluated: 2022-12-27. Review status: criteria provided, single submitter. Criteria: ACMG Guidelines, 2015. Collection method: clinical testing. Allele origin: unknown.

Counsyl
Classification: Likely pathogenic for Usher syndrome type 2A; Retinitis pigmentosa 39. Last evaluated: 2017-09-06. Review status: no assertion criteria provided. Collection method: clinical testing. Allele origin: unknown. Not counted in ClinVar's aggregate classification.

Literature cited by the submitters: PubMed 16199547 (cited by Labcorp Genetics (formerly Invitae), Labcorp); PubMed 10729113 (cited by Labcorp Genetics (formerly Invitae), Labcorp); PubMed 10909849 (cited by Labcorp Genetics (formerly Invitae), Labcorp); PubMed 20507924 (cited by Labcorp Genetics (formerly Invitae), Labcorp); PubMed 25649381 (cited by Labcorp Genetics (formerly Invitae), Labcorp).

NM_206933.4(USH2A):c.7595-1G>T

Gene: USH2A (usherin; minus strand). Cytogenetic location: 1q41.
Variant type: single nucleotide variant.
Coding change: c.7595-1G>T on transcript NM_206933.4 (MANE Select); the canonical splice acceptor site of the intron before coding-DNA position 7595, G replaced by T.
Molecular consequence: splice acceptor variant.
Genome position (GRCh38, 1-based): chr1:215,889,055, C>A on the plus strand (G>T on the coding strand, the complement: USH2A is on the minus strand). VCF-style: chr1-215889055-C-A. GRCh37 (hg19) VCF-style: chr1-216062397-C-A.
Identifiers: ClinVar variation 553734 (VCV000553734.10), dbSNP rs1553273421, ClinGen allele CA344841963.